The following is an entry in ClinVar:

NM_004380.3(CREBBP):c.4699G>A (p.Glu1567Lys)

Gene: CREBBP (CREB binding protein; minus strand). Cytogenetic location: 16p13.3.
Variant type: single nucleotide variant.
Coding change: c.4699G>A on transcript NM_004380.3 (MANE Select); coding-DNA position 4699, G replaced by A.
Protein change: p.Glu1567Lys; replaces glutamic acid 1567 with lysine.
Molecular consequence: missense variant.
Genome position (GRCh38, 1-based): chr16:3,736,065, C>T on the plus strand (G>A on the coding strand, the complement: CREBBP is on the minus strand). VCF-style: chr16-3736065-C-T. GRCh37 (hg19) VCF-style: chr16-3786066-C-T.
Other names: c.4585G>A, p.Glu1529Lys (NM_001079846.1); short protein forms E1529K, E1567K.
Identifiers: ClinVar variation 1307236 (VCV001307236.3), dbSNP rs2052050004, ClinGen allele CA394562010.

ClinVar aggregate classification (germline): Uncertain significance (1 of 4 stars; one submission).

Allele frequency attached by ClinVar (database versions not stated): TOPMed below 0.00001; gnomAD 0.00001.
gnomAD v4.1: 1 of 1,614,124 alleles (0.000062%); highest among the groups gnomAD compares: Non-Finnish European, 0.000085%; no homozygotes.

Submission:

GeneDx
Classification: Uncertain significance. Last evaluated: 2024-08-02. Review status: criteria provided, single submitter. Criteria: GeneDx Variant Classification Process June 2021. Collection method: clinical testing. Allele origin: germline. Affected: yes.
Comment: Not observed at significant frequency in large population cohorts (gnomAD); In silico analysis supports that this missense variant has a deleterious effect on protein structure/function; Has not been previously published as pathogenic or benign to our knowledge; This variant is associated with the following publications: (PMID: 12070251)